The following is an entry in ClinVar:

ClinVar aggregate classification (germline): Likely pathogenic. Review status: criteria provided, multiple submitters, no conflicts (2 of 4 stars). 3 submissions from 3 submitters: Likely pathogenic (2). 1 of the submissions does not count toward it. Last evaluated 2023-01-09.

Conditions:
MYH3-related disorder. Also called: MYH3-Related Disorders; MYH3-related condition. Identifiers: MedGen CN239329.

Submissions (3):

Labcorp Genetics (formerly Invitae), Labcorp
Classification: Likely pathogenic. Last evaluated: 2023-01-09. Review status: criteria provided, single submitter. Criteria: Invitae Variant Classification Sherloc (09022015). Collection method: clinical testing. Allele origin: germline.
Comment: In summary, the currently available evidence indicates that the variant is pathogenic, but additional data are needed to prove that conclusively. Therefore, this variant has been classified as Likely Pathogenic. This variant has been observed in individual(s) with autosomal dominant distal arthrogryposis (PMID: 23401156). In at least one individual the variant was observed to be de novo. It has also been observed to segregate with disease in related individuals. This variant is not present in population databases (gnomAD no frequency). This variant, c.2503_2505del, results in the deletion of 1 amino acid(s) of the MYH3 protein (p.Phe835del), but otherwise preserves the integrity of the reading frame.

Blueprint Genetics
Classification: Likely pathogenic for MYH3-related disorders. Last evaluated: 2022-06-01. Review status: criteria provided, single submitter. Criteria: ACMG Guidelines, 2015. Collection method: clinical testing. Allele origin: germline. Affected: yes. Observed: 1 variant allele.

PreventionGenetics, part of Exact Sciences
Classification: Pathogenic for MYH3-related condition. Last evaluated: 2024-03-07. Review status: no assertion criteria provided. Collection method: clinical testing. Allele origin: germline. Not counted in ClinVar's aggregate classification.
Comment: The MYH3 c.2503_2505delTTC variant is predicted to result in an in-frame deletion (p.Phe835del). This variant was previously reported to be causative for distal arthrogryposis type 2B (Beck et al. 2013. PubMed ID: 23401156). In the published pedigree, the p.Phe835del variant arose de novo in the proband and was then inherited in an autosomal dominant manner by other affected family members. This variant has not been reported in a large population database, indicating this variant is rare. This variant is interpreted as pathogenic.

Literature cited by the submitters: PubMed 23401156 (cited by Labcorp Genetics (formerly Invitae), Labcorp).

NM_002470.4(MYH3):c.2500TTC[1] (p.Phe835del)

Gene: MYH3 (myosin heavy chain 3; minus strand). Cytogenetic location: 17p13.1.
Variant type: Microsatellite.
Coding change: c.2500TTC[1] on transcript NM_002470.4 (MANE Select); one copy of the 3-base unit TTC starting at c.2500; the reference has two copies in a row; one copy, 3 bases deleted.
Protein change: p.Phe835del; deletes phenylalanine 835.
Molecular consequence: inframe deletion.
Genome position (GRCh38, 1-based): chr17:10,640,173-10,640,175, GAA deleted on the plus strand (TTC on the coding strand, the reverse complement: MYH3 is on the minus strand); deleting any 3 consecutive bases within chr17:10,640,173-10,640,180 gives the same sequence; the position shown is the placement nearest the transcript's 3' end. VCF-style (leftmost placement, unchanged base first): chr17-10640172-TGAA-T. GRCh37 (hg19) VCF-style: chr17-10543489-TGAA-T.
Other names: c.2503_2505delTTC (NM_002470.3); short protein forms F835del.
Identifiers: ClinVar variation 2137922 (VCV002137922.6), dbSNP rs2508601282, ClinGen allele CA497979246.